The following is an entry in ClinVar:

ClinVar aggregate classification (germline): Uncertain significance (1 of 4 stars; one submission).

Conditions:
Hereditary cancer-predisposing syndrome. Also called: Neoplastic Syndromes, Hereditary; Tumor predisposition; Hereditary Cancer Syndrome; Hereditary neoplastic syndrome. Identifiers: Orphanet 140162, MedGen C0027672, MeSH D009386, MONDO:0015356.

Submission:

Ambry Genetics
Classification: Uncertain significance for Hereditary cancer-predisposing syndrome. Last evaluated: 2024-06-30. Review status: criteria provided, single submitter. Criteria: Ambry Variant Classification Scheme 2023. Collection method: clinical testing. Allele origin: germline.
Comment: The p.P726T variant (also known as c.2176C>A), located in coding exon 13 of the PMS2 gene, results from a C to A substitution at nucleotide position 2176. The proline at codon 726 is replaced by threonine, an amino acid with highly similar properties. This amino acid position is conserved. In addition, this alteration is predicted to be deleterious by in silico analysis. Based on the available evidence, the clinical significance of this variant remains unclear.

NM_000535.7(PMS2):c.2176C>A (p.Pro726Thr)

Gene: PMS2 (PMS1 homolog 2, mismatch repair system component; minus strand). Cytogenetic location: 7p22.1.
Variant type: single nucleotide variant.
Coding change: c.2176C>A on transcript NM_000535.7 (MANE Select); coding-DNA position 2176, C replaced by A.
Protein change: p.Pro726Thr; replaces proline 726 with threonine.
Molecular consequence: missense variant. On other transcripts: non-coding transcript variant (1), intron variant (2).
Genome position (GRCh38, 1-based): chr7:5,978,695, G>T on the plus strand (C>A on the coding strand, the complement: PMS2 is on the minus strand). VCF-style: chr7-5978695-G-T. GRCh37 (hg19) VCF-style: chr7-6018326-G-T.
Other names: c.1771C>A, p.Pro591Thr (NM_001322003.2, NM_001322004.2, NM_001322005.2 and 14 more transcripts); c.2020C>A, p.Pro674Thr (NM_001322006.2, NM_001406870.1); c.1858C>A, p.Pro620Thr (NM_001322007.2, NM_001322008.2, NM_001406876.1 and 1 more transcripts); c.1603C>A, p.Pro535Thr (NM_001322013.2, NM_001406908.1, NM_001406909.1); c.2176C>A, p.Pro726Thr (NM_001322014.2); c.1615C>A, p.Pro539Thr (NM_001322010.2, NM_001406906.1, NM_001406907.1); c.1243C>A, p.Pro415Thr (NM_001322011.2, NM_001322012.2); c.1867C>A, p.Pro623Thr (NM_001322015.2, NM_001406875.1, NM_001406877.1 and 5 more transcripts); and 16 more; short protein forms P564T, P591T, P614T, P618T, P788T, P325T, P469T, P539T.
Identifiers: ClinVar variation 3421469 (VCV003421469.1).